The following is an entry in ClinVar:

NM_000088.4(COL1A1):c.1984-6C>T

Gene: COL1A1 (collagen type I alpha 1 chain; minus strand). Cytogenetic location: 17q21.33.
Variant type: single nucleotide variant.
Coding change: c.1984-6C>T on transcript NM_000088.4 (MANE Select); 6 bases into the intron before coding-DNA position 1984, C replaced by T.
Molecular consequence: intron variant.
Genome position (GRCh38, 1-based): chr17:50,192,030, G>A on the plus strand (C>T on the coding strand, the complement: COL1A1 is on the minus strand). VCF-style: chr17-50192030-G-A. GRCh37 (hg19) VCF-style: chr17-48269391-G-A.
Identifiers: ClinVar variation 1702170 (VCV001702170.5), dbSNP rs373873548, ClinGen allele CA291544101.
Genomic context (GRCh38, chr17:50,192,030, plus strand): 5'-GCCTACTTACTCTTGCTCCAGAGGGGCCAGGGGCGCCAAGGTCTCCAGGAACACCCTGAG[G>A]GGGAGGGAGAGAGGAACAGACAGTGAGCAAAACCCACCTGGGGCCACTCTGCTGGAAAGC-3'

ClinVar aggregate classification (germline): Uncertain significance. Review status: criteria provided, single submitter (1 of 4 stars). 2 submissions from 2 submitters: Uncertain significance (1). 1 of the submissions does not count toward it. Last evaluated 2020-01-01.

Conditions:
Ehlers-Danlos syndrome (EDS). Identifiers: Orphanet 98249, MedGen C0013720, MONDO:0020066.
COL1A1-related disorder. Also called: COL1A1-related condition; COL1A1- related disease.

Submissions (2):

Genome Diagnostics Laboratory, The Hospital for Sick Children
Classification: Uncertain significance for Ehlers-Danlos syndrome. Last evaluated: 2020-01-01. Review status: criteria provided, single submitter. Criteria: ACMG Guidelines, 2015. Collection method: clinical testing. Allele origin: germline.

PreventionGenetics, part of Exact Sciences
Classification: Likely benign for COL1A1-related condition. Last evaluated: 2019-09-06. Review status: no assertion criteria provided. Collection method: clinical testing. Allele origin: germline. Not counted in ClinVar's aggregate classification.
Comment: This variant is classified as likely benign based on ACMG/AMP sequence variant interpretation guidelines (Richards et al. 2015 PMID: 25741868, with internal and published modifications).